The following is an entry in ClinVar:

NM_006231.4(POLE):c.4194T>G (p.Tyr1398Ter)

Gene: POLE (DNA polymerase epsilon, catalytic subunit; minus strand). Cytogenetic location: 12q24.33.
Variant type: single nucleotide variant.
Coding change: c.4194T>G on transcript NM_006231.4 (MANE Select); coding-DNA position 4194, T replaced by G.
Protein change: p.Tyr1398Ter; replaces tyrosine 1398 with a stop codon.
Molecular consequence: nonsense.
Genome position (GRCh38, 1-based): chr12:132,643,933, A>C on the plus strand (T>G on the coding strand, the complement: POLE is on the minus strand). VCF-style: chr12-132643933-A-C. GRCh37 (hg19) VCF-style: chr12-133220519-A-C.
Other names: short protein forms Y1398*.
Identifiers: ClinVar variation 824659 (VCV000824659.8), dbSNP rs1593736291, ClinGen allele CA387382335.
Genomic context (GRCh38, chr12:132,643,933, plus strand): 5'-CAGCTCAGCGTTGATCTCGTTGATGTGTTCCTGGTACATGTCCTCTGGCACTGAATACTC[A>C]TAGAGATTGTAGACCATGTTGGAGCGAGGAAGGACCCGATTTACCTGGCGAGAATACGAC-3'

ClinVar aggregate classification (germline): Conflicting classifications of pathogenicity. Review status: criteria provided, conflicting classifications (1 of 4 stars). 2 submissions from 2 submitters: Pathogenic (1); Uncertain significance (1). Last evaluated 2026-02-11.

Conditions:
Hereditary cancer-predisposing syndrome. Also called: Hereditary Cancer Syndrome; Tumor predisposition; Neoplastic Syndromes, Hereditary; Hereditary neoplastic syndrome. Identifiers: Orphanet 140162, MedGen C0027672, MeSH D009386, MONDO:0015356.

Submissions (2):

Ambry Genetics
Classification: Uncertain significance for Hereditary cancer-predisposing syndrome. Last evaluated: 2026-02-11. Review status: criteria provided, single submitter. Criteria: Ambry Variant Classification Scheme 2023. Collection method: clinical testing. Allele origin: germline.
Comment: The p.Y1398* variant (also known as c.4194T>G), located in coding exon 33 of the POLE gene, results from a T to G substitution at nucleotide position 4194. This changes the amino acid from a tyrosine to a stop codon within coding exon 33. Loss-of-function variants variants are typically expected to result in loss of function by premature protein truncation or nonsense-mediated decay. However in silico splice site analysis predicts that this alteration may result in the creation or strengthening of a novel splice acceptor site and the resulting transcript is predicted to be in-frame, although direct evidence is unavailable. The exact functional effect of this variant is unknown. Based on the available evidence, the clinical significance of this variant remains unclear.

Labcorp Genetics (formerly Invitae), Labcorp
Classification: Pathogenic. Last evaluated: 2023-12-18. Review status: criteria provided, single submitter. Criteria: Invitae Variant Classification Sherloc (09022015). Collection method: clinical testing. Allele origin: germline.
Comment: This sequence change creates a premature translational stop signal (p.Tyr1398*) in the POLE gene. It is expected to result in an absent or disrupted protein product. Loss-of-function variants in POLE are known to be pathogenic (PMID: 23230001, 25948378, 30503519). This variant is not present in population databases (gnomAD no frequency). This variant has not been reported in the literature in individuals affected with POLE-related conditions. ClinVar contains an entry for this variant (Variation ID: 824659). Algorithms developed to predict the effect of sequence changes on RNA splicing suggest that this variant may create or strengthen a splice site. For these reasons, this variant has been classified as Pathogenic.

Literature cited by the submitters: PubMed 23230001 (cited by Labcorp Genetics (formerly Invitae), Labcorp); PubMed 25948378 (cited by Labcorp Genetics (formerly Invitae), Labcorp); PubMed 30503519 (cited by Labcorp Genetics (formerly Invitae), Labcorp).